The following is an entry in ClinVar:

ClinVar aggregate classification (germline): Uncertain significance (1 of 4 stars; one submission).

Conditions:
Tuberous sclerosis 2 (TSC2). Identifiers: Orphanet 805, MedGen C1860707, MONDO:0013199, OMIM 613254.

Submission:

Labcorp Genetics (formerly Invitae), Labcorp
Classification: Uncertain significance for Tuberous sclerosis 2. Last evaluated: 2024-02-19. Review status: criteria provided, single submitter. Criteria: Invitae Variant Classification Sherloc (09022015). Collection method: clinical testing. Allele origin: germline.
Comment: This sequence change falls in intron 5 of the TSC2 gene. It does not directly change the encoded amino acid sequence of the TSC2 protein. It affects a nucleotide within the consensus splice site. This variant is not present in population databases (gnomAD no frequency). This variant has not been reported in the literature in individuals affected with TSC2-related conditions. Variants that disrupt the consensus splice site are a relatively common cause of aberrant splicing (PMID: 17576681, 9536098). Algorithms developed to predict the effect of sequence changes on RNA splicing suggest that this variant may disrupt the consensus splice site. In summary, the available evidence is currently insufficient to determine the role of this variant in disease. Therefore, it has been classified as a Variant of Uncertain Significance.

Literature cited by the submitters: PubMed 17576681; PubMed 9536098.

NM_000548.5(TSC2):c.481+3G>T

Gene: TSC2 (TSC complex subunit 2; plus strand). Cytogenetic location: 16p13.3.
Variant type: single nucleotide variant.
Coding change: c.481+3G>T on transcript NM_000548.5 (MANE Select); 3 bases into the intron after coding-DNA position 481, G replaced by T.
Molecular consequence: intron variant.
Genome position (GRCh38, 1-based): chr16:2,054,443, G>T. VCF-style: chr16-2054443-G-T. GRCh37 (hg19) VCF-style: chr16-2104444-G-T.
Other names: c.-1167+3G>T (NM_001406693.1); c.571+3G>T (NM_001406667.1, NM_001406668.1); c.-336+3G>T (NM_001406680.1, NM_001406683.1, NM_001406687.1); c.-951+3G>T (NM_001406689.1, NM_001406690.1, NM_001406692.1 and 2 more transcripts); c.-1127+3G>T (NM_001406698.1); c.481+3G>T (NM_001114382.3, NM_001406663.1, NM_001406664.1 and 8 more transcripts); c.-832+3G>T (NM_001406694.1, NM_001406695.1); c.-939+3G>T (NM_001406696.1); and 6 more.
Identifiers: ClinVar variation 3641947 (VCV003641947.2).